The following is an entry in ClinVar:

NM_033380.3(COL4A5):c.2910_2912delinsA (p.Leu971fs)

Gene: COL4A5 (collagen type IV alpha 5 chain; plus strand). Cytogenetic location: Xq22.3.
Variant type: Indel.
Coding change: c.2910_2912delinsA on transcript NM_033380.3 (MANE Select); coding-DNA positions 2910 to 2912, CTT replaced by A.
Protein change: p.Leu971fs; shifts the reading frame from leucine 971.
Molecular consequence: frameshift variant.
Genome position (GRCh38, 1-based): chrX:108,622,818-108,622,820, CTT replaced by A. VCF-style: chrX-108622818-CTT-A. GRCh37 (hg19) VCF-style: chrX-107866048-CTT-A.
Other names: c.2910_2912delinsA, p.Leu971fs (NM_000495.5); short protein forms L971fs.
Identifiers: ClinVar variation 1724646 (VCV001724646.2), dbSNP rs2524408618, ClinGen allele CA2580100200.

ClinVar aggregate classification (germline): Likely pathogenic (1 of 4 stars; one submission).

Conditions:
X-linked Alport syndrome (ATS1). Also called: COL4A5-Related Nephropathy; NEPHROPATHY AND DEAFNESS, X-LINKED. Identifiers: Orphanet 63, Orphanet 88917, MedGen C4746986, MONDO:0010520, OMIM 301050.

Submission:

Myriad Genetics, Inc.
Classification: Likely pathogenic for X-linked Alport syndrome. Last evaluated: 2022-02-24. Review status: criteria provided, single submitter. Criteria: Myriad Women's Health Autosomal Recessive and X-Linked Classification Criteria (2021). Collection method: clinical testing. Allele origin: unknown.
Comment: NM_000495.4(COL4A5):c.2910_2912delCTTinsA(L971Tfs*39) is expected to be pathogenic in the context of X-linked Alport syndrome. This variant is predicted to lead to an abnormal or absent protein product due to the creation of a premature termination codon in COL4A5, a gene where loss-of-function variants are known to be pathogenic. Please note: this variant was assessed in the context of healthy population screening.